The following is an entry in ClinVar:

NM_005188.4(CBL):c.2258G>C (p.Gly753Ala)

Gene: CBL (Cbl proto-oncogene; plus strand). Cytogenetic location: 11q23.3.
Variant type: single nucleotide variant.
Coding change: c.2258G>C on transcript NM_005188.4 (MANE Select); coding-DNA position 2258, G replaced by C.
Protein change: p.Gly753Ala; replaces glycine 753 with alanine.
Molecular consequence: missense variant.
Genome position (GRCh38, 1-based): chr11:119,298,364, G>C. VCF-style: chr11-119298364-G-C. GRCh37 (hg19) VCF-style: chr11-119169074-G-C.
Other names: short protein forms G753A.
Identifiers: ClinVar variation 1693425 (VCV001693425.3), dbSNP rs2135320936, ClinGen allele CA382928932.

ClinVar aggregate classification (germline): Uncertain significance. Review status: criteria provided, multiple submitters, no conflicts (2 of 4 stars). 2 submissions from 2 submitters: Uncertain significance (2). Last evaluated 2025-02-27.

Conditions:
RASopathy. Also called: rasopathies; Noonan spectrum disorder. Identifiers: Orphanet 536391, MedGen C5555857, MONDO:0021060.

Submissions (2):

Labcorp Genetics (formerly Invitae), Labcorp
Classification: Uncertain significance for RASopathy. Last evaluated: 2025-02-27. Review status: criteria provided, single submitter. Criteria: Invitae Variant Classification Sherloc (09022015). Collection method: clinical testing. Allele origin: germline.
Comment: This sequence change replaces glycine, which is neutral and non-polar, with alanine, which is neutral and non-polar, at codon 753 of the CBL protein (p.Gly753Ala). This variant is not present in population databases (gnomAD no frequency). This variant has not been reported in the literature in individuals affected with CBL-related conditions. ClinVar contains an entry for this variant (Variation ID: 1693425). Invitae Evidence Modeling of protein sequence and biophysical properties (such as structural, functional, and spatial information, amino acid conservation, physicochemical variation, residue mobility, and thermodynamic stability) indicates that this missense variant is not expected to disrupt CBL protein function with a negative predictive value of 95%. In summary, the available evidence is currently insufficient to determine the role of this variant in disease. Therefore, it has been classified as a Variant of Uncertain Significance.

GeneDx
Classification: Uncertain significance. Last evaluated: 2022-01-04. Review status: criteria provided, single submitter. Criteria: GeneDx Variant Classification Process June 2021. Collection method: clinical testing. Allele origin: germline. Affected: yes.
Comment: Not observed at significant frequency in large population cohorts (gnomAD); In silico analysis supports that this missense variant does not alter protein structure/function; Has not been previously published as pathogenic or benign to our knowledge